The following is an entry in ClinVar:

NM_001013838.3(CARMIL2):c.3338C>T (p.Pro1113Leu)

Gene: CARMIL2 (capping protein regulator and myosin 1 linker 2; plus strand). Cytogenetic location: 16q22.1.
Variant type: single nucleotide variant.
Coding change: c.3338C>T on transcript NM_001013838.3 (MANE Select); coding-DNA position 3338, C replaced by T.
Protein change: p.Pro1113Leu; replaces proline 1113 with leucine.
Molecular consequence: missense variant.
Genome position (GRCh38, 1-based): chr16:67,654,448, C>T. VCF-style: chr16-67654448-C-T. GRCh37 (hg19) VCF-style: chr16-67688351-C-T.
Other names: c.3230C>T, p.Pro1077Leu (NM_001317026.3); short protein forms P1077L, P1113L.
Identifiers: ClinVar variation 1361877 (VCV001361877.8), dbSNP rs1176498172, ClinGen allele CA396344604.

ClinVar aggregate classification (germline): Uncertain significance (1 of 4 stars; one submission).

Allele frequency attached by ClinVar (database versions not stated): gnomAD exomes below 0.00001.
gnomAD v4.1: 4 of 1,613,066 alleles (0.00025%); highest among the groups gnomAD compares: Non-Finnish European, 0.00034%; no homozygotes.

Submission:

Labcorp Genetics (formerly Invitae), Labcorp
Classification: Uncertain significance. Last evaluated: 2022-10-17. Review status: criteria provided, single submitter. Criteria: Invitae Variant Classification Sherloc (09022015). Collection method: clinical testing. Allele origin: germline.
Comment: This sequence change replaces proline, which is neutral and non-polar, with leucine, which is neutral and non-polar, at codon 1113 of the CARMIL2 protein (p.Pro1113Leu). This variant is present in population databases (no rsID available, gnomAD 0.0009%). This variant has not been reported in the literature in individuals affected with CARMIL2-related conditions. ClinVar contains an entry for this variant (Variation ID: 1361877). Advanced modeling of protein sequence and biophysical properties (such as structural, functional, and spatial information, amino acid conservation, physicochemical variation, residue mobility, and thermodynamic stability) performed at Invitae indicates that this missense variant is not expected to disrupt CARMIL2 protein function. In summary, the available evidence is currently insufficient to determine the role of this variant in disease. Therefore, it has been classified as a Variant of Uncertain Significance.